The following is an entry in ClinVar:

NM_001322934.2(NFKB2):c.1696C>G (p.Leu566Val)

Gene: NFKB2 (nuclear factor kappa B subunit 2; plus strand). Cytogenetic location: 10q24.32.
Variant type: single nucleotide variant.
Coding change: c.1696C>G on transcript NM_001322934.2 (MANE Select); coding-DNA position 1696, C replaced by G.
Protein change: p.Leu566Val; replaces leucine 566 with valine.
Molecular consequence: missense variant.
Genome position (GRCh38, 1-based): chr10:102,400,389, C>G. VCF-style: chr10-102400389-C-G. GRCh37 (hg19) VCF-style: chr10-104160146-C-G.
Other names: c.1696C>G, p.Leu566Val (NM_001077493.1, NM_001077494.3, NM_001261403.3 and 2 more transcripts); c.1570C>G, p.Leu524Val (NM_001322935.1); short protein forms L524V, L566V.
Identifiers: ClinVar variation 1973562 (VCV001973562.5), dbSNP rs2544595962, ClinGen allele CA377901948.

ClinVar aggregate classification (germline): Uncertain significance (1 of 4 stars; one submission).

Conditions:
Immunodeficiency, common variable, 10. Also called: IMMUNODEFICIENCY, COMMON VARIABLE, WITH CENTRAL ADRENAL INSUFFICIENCY; DEFICIT IN ANTERIOR PITUITARY FUNCTION AND VARIABLE IMMUNODEFICIENCY. Identifiers: MedGen C3809991, MONDO:0014260, OMIM 615577.

Submission:

Labcorp Genetics (formerly Invitae), Labcorp
Classification: Uncertain significance for Immunodeficiency, common variable, 10. Last evaluated: 2022-09-13. Review status: criteria provided, single submitter. Criteria: Invitae Variant Classification Sherloc (09022015). Collection method: clinical testing. Allele origin: germline.
Comment: In summary, the available evidence is currently insufficient to determine the role of this variant in disease. Therefore, it has been classified as a Variant of Uncertain Significance. Algorithms developed to predict the effect of missense changes on protein structure and function are either unavailable or do not agree on the potential impact of this missense change (SIFT: "Deleterious"; PolyPhen-2: "Probably Damaging"; Align-GVGD: "Class C0"). This variant has not been reported in the literature in individuals affected with NFKB2-related conditions. This variant is not present in population databases (gnomAD no frequency). This sequence change replaces leucine, which is neutral and non-polar, with valine, which is neutral and non-polar, at codon 566 of the NFKB2 protein (p.Leu566Val).